The following is an entry in ClinVar:

NM_201596.3(CACNB2):c.594T>G (p.Ser198Arg)

Gene: CACNB2 (calcium voltage-gated channel auxiliary subunit beta 2; plus strand). Cytogenetic location: 10p12.31.
Variant type: single nucleotide variant.
Coding change: c.594T>G on transcript NM_201596.3 (MANE Select); coding-DNA position 594, T replaced by G.
Protein change: p.Ser198Arg; replaces serine 198 with arginine.
Molecular consequence: missense variant.
Genome position (GRCh38, 1-based): chr10:18,506,471, T>G. VCF-style: chr10-18506471-T-G. GRCh37 (hg19) VCF-style: chr10-18795400-T-G.
Other names: c.429T>G, p.Ser143Arg (NM_000724.4, NM_001330060.2); c.510T>G, p.Ser170Arg (NM_001167945.2, NM_201571.4, NM_201572.4); c.450T>G, p.Ser150Arg (NM_001410882.1, NM_201570.3); c.432T>G, p.Ser144Arg (NM_201590.3); c.594T>G, p.Ser198Arg (NM_201593.3, NM_201597.3); short protein forms S198R, S143R, S144R, S150R, S170R.
Identifiers: ClinVar variation 2082464 (VCV002082464.4), dbSNP rs200452448, ClinGen allele CA376059175.

ClinVar aggregate classification (germline): Uncertain significance (1 of 4 stars; one submission).

Conditions:
Brugada syndrome 4 (BRGDA4). Identifiers: Orphanet 130, MedGen C2678477, MONDO:0012743, OMIM 611876.

Submission:

Labcorp Genetics (formerly Invitae), Labcorp
Classification: Uncertain significance for Brugada syndrome 4. Last evaluated: 2022-06-07. Review status: criteria provided, single submitter. Criteria: Invitae Variant Classification Sherloc (09022015). Collection method: clinical testing. Allele origin: germline.
Comment: This sequence change replaces serine, which is neutral and polar, with arginine, which is basic and polar, at codon 144 of the CACNB2 protein (p.Ser144Arg). This variant is not present in population databases (gnomAD no frequency). This variant has not been reported in the literature in individuals affected with CACNB2-related conditions. Algorithms developed to predict the effect of missense changes on protein structure and function are either unavailable or do not agree on the potential impact of this missense change (SIFT: "Deleterious"; PolyPhen-2: "Benign"; Align-GVGD: "Class C0"). In summary, the available evidence is currently insufficient to determine the role of this variant in disease. Therefore, it has been classified as a Variant of Uncertain Significance.